The following is an entry in ClinVar:

NM_001127453.2(GSDME):c.59T>C (p.Ile20Thr)

Gene: GSDME (gasdermin E; minus strand). Cytogenetic location: 7p15.3.
Variant type: single nucleotide variant.
Coding change: c.59T>C on transcript NM_001127453.2 (MANE Select); coding-DNA position 59, T replaced by C.
Protein change: p.Ile20Thr; replaces isoleucine 20 with threonine.
Molecular consequence: missense variant. On other transcripts: intron variant (1).
Genome position (GRCh38, 1-based): chr7:24,749,716, A>G on the plus strand (T>C on the coding strand, the complement: GSDME is on the minus strand). VCF-style: chr7-24749716-A-G. GRCh37 (hg19) VCF-style: chr7-24789335-A-G.
Other names: c.59T>C, p.Ile20Thr (NM_004403.3); c.-281-4962T>C (NM_001127454.2); short protein forms I20T.
Identifiers: ClinVar variation 2430535 (VCV002430535.3), dbSNP rs143006924, ClinGen allele CA4191853.

ClinVar aggregate classification (germline): Uncertain significance. Review status: criteria provided, multiple submitters, no conflicts (2 of 4 stars). 3 submissions from 3 submitters: Uncertain significance (3). Last evaluated 2025-04-11.

Conditions:
Inborn genetic diseases. Identifiers: MedGen C0950123, MeSH D030342.

Allele frequency attached by ClinVar (database versions not stated): gnomAD exomes below 0.00001; ExAC 0.00001; gnomAD 0.00002; TOPMed 0.00003; ESP Exome Variant Server 0.00008.
gnomAD v4.1: 7 of 1,614,028 alleles (0.00043%); highest among the groups gnomAD compares: East Asian, 0.0045%; no homozygotes.

Submissions (3):

Ambry Genetics
Classification: Uncertain significance for Inborn genetic diseases. Last evaluated: 2025-04-11. Review status: criteria provided, single submitter. Criteria: Ambry Variant Classification Scheme 2023. Collection method: clinical testing. Allele origin: germline.

GeneDx
Classification: Uncertain significance. Last evaluated: 2022-08-19. Review status: criteria provided, single submitter. Criteria: GeneDx Variant Classification Process June 2021. Collection method: clinical testing. Allele origin: germline. Affected: yes.
Comment: In silico analysis supports that this missense variant has a deleterious effect on protein structure/function; Has not been previously published as pathogenic or benign to our knowledge

Breakthrough Genomics
Classification: Uncertain significance. Review status: criteria provided, single submitter. Criteria: ACMG Guidelines, 2015. Collection method: not provided. Allele origin: germline. Inheritance: Autosomal dominant inheritance. Affected: yes.